The following is an entry in ClinVar:

NM_003742.4(ABCB11):c.695del (p.Leu232fs)

Gene: ABCB11 (ATP binding cassette subfamily B member 11; minus strand). Cytogenetic location: 2q31.1.
Variant type: Deletion.
Coding change: c.695del on transcript NM_003742.4 (MANE Select); coding-DNA position 695, one base deleted (T; older notation c.695delT).
Protein change: p.Leu232fs; shifts the reading frame from leucine 232.
Molecular consequence: frameshift variant.
Genome position (GRCh38, 1-based): chr2:168,993,799, A deleted on the plus strand (T on the coding strand, the reverse complement: ABCB11 is on the minus strand). VCF-style (leftmost placement, unchanged base first): chr2-168993798-CA-C. GRCh37 (hg19) VCF-style: chr2-169850308-CA-C.
Other names: NM_003742.4:c.695del; short protein forms L232fs.
Identifiers: ClinVar variation 2734330 (VCV002734330.5), dbSNP rs2545450430, ClinGen allele CA2586970416.

ClinVar aggregate classification (germline): Pathogenic/Likely pathogenic. Review status: criteria provided, multiple submitters, no conflicts (2 of 4 stars). 3 submissions from 3 submitters: Pathogenic (2); Likely pathogenic (1). Last evaluated 2026-04-14.

Conditions:
Familial intrahepatic cholestasis. Identifiers: Orphanet 284385, MedGen CN296401, MONDO:0017290.
Progressive familial intrahepatic cholestasis type 2. Identifiers: Orphanet 79304, MedGen C3489789, MONDO:0011156, OMIM 601847.

Allele frequency attached by ClinVar (database versions not stated): gnomAD exomes below 0.00001.

Submissions (3):

Genomenon, Inc
Classification: Pathogenic for Familial intrahepatic cholestasis. Last evaluated: 2026-04-14. Review status: criteria provided, single submitter. Criteria: Genomenon Sequence Variant Interpretation Standards - Updated. Collection method: curation. Allele origin: germline. Affected: yes.
Comment: ABCB11 p.Leu232ArgfsTer10 (c.695del) is a frameshift variant that results in the production of a truncated protein which is predicted to undergo nonsense-mediated mRNA decay. This variant has been observed in at least one proband with an ABCB11-related disorder (PMID:10579978). It is absent or not present at a significant frequency in gnomAD. In conclusion, we classify ABCB11 p.Leu232ArgfsTer10 (c.695del) as a pathogenic variant.

Broad Center for Mendelian Genomics, Broad Institute of MIT and Harvard
Classification: Likely pathogenic for Progressive familial intrahepatic cholestasis type 2. Last evaluated: 2025-01-30. Review status: criteria provided, single submitter. Criteria: ACMG Guidelines, 2015. Collection method: curation. Allele origin: germline. Inheritance: Autosomal recessive inheritance.
Comment: The p.Leu232ArgfsTer10 variant in ABCB11 has been reported in 1 individual with BSEP deficiency (PMID: 10579978), and has been identified in 0.00008% (1/1178628) of European (non-Finnish) chromosomes by the Genome Aggregation Database (gnomAD). Although this variant has been seen in the general population in a heterozygous state, its frequency is low enough to be consistent with a recessive carrier frequency. This variant is predicted to cause a frameshift, which alters the protein‚Äôs amino acid sequence beginning at position 232 and leads to a premature termination codon 10 amino acids downstream. This alteration is then predicted to lead to a truncated or absent protein. Loss of function of the ABCB11 gene is an established disease mechanism in autosomal recessive BSEP deficiency. In summary, although additional studies are required to fully establish its clinical significance, this variant is likely pathogenic for autosomal recessive BSEP deficiency. ACMG/AMP criteria applied: PVS1, PM2_supporting (Richards 2015).

Labcorp Genetics (formerly Invitae), Labcorp
Classification: Pathogenic. Last evaluated: 2023-09-12. Review status: criteria provided, single submitter. Criteria: Invitae Variant Classification Sherloc (09022015). Collection method: clinical testing. Allele origin: germline.
Comment: For these reasons, this variant has been classified as Pathogenic. This premature translational stop signal has been observed in individual(s) with progressive familial intrahepatic cholestasis (PMID: 10579978). This variant is not present in population databases (gnomAD no frequency). This sequence change creates a premature translational stop signal (p.Leu232Argfs*10) in the ABCB11 gene. It is expected to result in an absent or disrupted protein product. Loss-of-function variants in ABCB11 are known to be pathogenic (PMID: 18395098, 20232290).

Literature cited by the submitters: PubMed 10579978 (cited by Genomenon, Inc and Labcorp Genetics (formerly Invitae), Labcorp); PubMed 18395098 (cited by Labcorp Genetics (formerly Invitae), Labcorp); PubMed 20232290 (cited by Labcorp Genetics (formerly Invitae), Labcorp).